The following is an entry in ClinVar:

ClinVar aggregate classification (germline): Uncertain significance (1 of 4 stars; one submission).

Submission:

Labcorp Genetics (formerly Invitae), Labcorp
Classification: Uncertain significance. Last evaluated: 2026-01-27. Review status: criteria provided, single submitter. Criteria: Invitae Variant Classification Sherloc (09022015). Collection method: clinical testing. Allele origin: germline.
Comment: This sequence change replaces aspartic acid, which is acidic and polar, with valine, which is neutral and non-polar, at codon 27 of the RS1 protein (p.Asp27Val). This variant is not present in population databases (gnomAD no frequency). This variant has not been reported in the literature in individuals affected with RS1-related conditions. An algorithm developed to predict the effect of missense changes on protein structure and function (PolyPhen-2) suggests that this variant is likely to be tolerated. In summary, the available evidence is currently insufficient to determine the role of this variant in disease. Therefore, it has been classified as a Variant of Uncertain Significance.

NM_000330.4(RS1):c.80A>T (p.Asp27Val)

Gene: RS1 (retinoschisin 1; minus strand). Cytogenetic location: Xp22.13.
Variant type: single nucleotide variant.
Coding change: c.80A>T on transcript NM_000330.4 (MANE Select); coding-DNA position 80, A replaced by T.
Protein change: p.Asp27Val; replaces aspartic acid 27 with valine.
Molecular consequence: missense variant.
Genome position (GRCh38, 1-based): chrX:18,656,757, T>A on the plus strand (A>T on the coding strand, the complement: RS1 is on the minus strand). VCF-style: chrX-18656757-T-A. GRCh37 (hg19) VCF-style: chrX-18674877-T-A.
Other names: short protein forms D27V.
Identifiers: ClinVar variation 4735992 (VCV004735992.1).